The following is an entry in ClinVar:

NM_014314.4(RIGI):c.574A>G (p.Ile192Val)

Gene: RIGI (RNA sensor RIG-I; minus strand). Cytogenetic location: 9p21.1.
Variant type: single nucleotide variant.
Coding change: c.574A>G on transcript NM_014314.4 (MANE Select); coding-DNA position 574, A replaced by G.
Protein change: p.Ile192Val; replaces isoleucine 192 with valine.
Molecular consequence: missense variant. On other transcripts: 5 prime UTR variant (1).
Genome position (GRCh38, 1-based): chr9:32,491,418, T>C on the plus strand (A>G on the coding strand, the complement: RIGI is on the minus strand). VCF-style: chr9-32491418-T-C. GRCh37 (hg19) VCF-style: chr9-32491416-T-C.
Other names: c.574A>G, p.Ile192Val (NM_001385907.1, NM_001385909.1); c.133A>G, p.Ile45Val (NM_001385910.1, NM_001385914.1); c.-36A>G (NM_001385912.1); c.559A>G, p.Ile187Val (NM_001385913.1); short protein forms I45V, I192V, I187V.
Identifiers: ClinVar variation 3004717 (VCV003004717.3), dbSNP rs550977928, ClinGen allele CA192382753.

ClinVar aggregate classification (germline): Uncertain significance (1 of 4 stars; one submission).

Allele frequency attached by ClinVar (database versions not stated): gnomAD exomes below 0.00001; gnomAD 0.00001.
gnomAD v4.1: 13 of 1,604,244 alleles (0.00081%); highest among the groups gnomAD compares: African/African-American, 0.0067%; no homozygotes.

Submission:

Labcorp Genetics (formerly Invitae), Labcorp
Classification: Uncertain significance. Last evaluated: 2022-11-13. Review status: criteria provided, single submitter. Criteria: Invitae Variant Classification Sherloc (09022015). Collection method: clinical testing. Allele origin: germline.
Comment: This sequence change replaces isoleucine, which is neutral and non-polar, with valine, which is neutral and non-polar, at codon 192 of the DDX58 protein (p.Ile192Val). This variant is not present in population databases (gnomAD no frequency). This variant has not been reported in the literature in individuals affected with DDX58-related conditions. Algorithms developed to predict the effect of missense changes on protein structure and function output the following: SIFT: "Tolerated"; PolyPhen-2: "Benign"; Align-GVGD: "Class C0". The valine amino acid residue is found in multiple mammalian species, which suggests that this missense change does not adversely affect protein function. In summary, the available evidence is currently insufficient to determine the role of this variant in disease. Therefore, it has been classified as a Variant of Uncertain Significance.